The following is an entry in ClinVar:

NC_000010.10:g.(?_12159652)_(12162286_?)del

Gene: DHTKD1 (dehydrogenase E1 and transketolase domain containing 1; plus strand). Cytogenetic location: 10p14.
Variant type: Deletion.
Identifiers: ClinVar variation 2426490 (VCV002426490.6).

ClinVar aggregate classification (germline): Uncertain significance (1 of 4 stars; one submission).

Conditions:
2-aminoadipic 2-oxoadipic aciduria (AAKAD). Also called: Aminoadipic aciduria; ALPHA-AMINOADIPIC AND ALPHA-KETOADIPIC ACIDURIA. Identifiers: Orphanet 79154, MedGen C1859817, MONDO:0008774, OMIM 204750.

Submission:

Labcorp Genetics (formerly Invitae), Labcorp
Classification: Uncertain significance for 2-aminoadipic 2-oxoadipic aciduria. Last evaluated: 2024-01-27. Review status: criteria provided, single submitter. Criteria: Invitae Variant Classification Sherloc (09022015). Collection method: clinical testing. Allele origin: germline.
Comment: This variant is a gross deletion of the genomic region encompassing exon(s) 14-16 of the DHTKD1 gene. This variant would be expected to be in-frame, preserving the integrity of the reading frame. This variant has not been reported in the literature in individuals affected with DHTKD1-related conditions. Experimental studies and prediction algorithms are not available or were not evaluated, and the functional significance of this variant is currently unknown. This variant disrupts a region of the DHTKD1 protein in which other variant(s) (p.Ser777Pro) have been observed in individuals with DHTKD1-related conditions (PMID: 25860818). This suggests that this is a clinically significant region of the protein, and that variants that disrupt it are likely to be disease-causing. In summary, the available evidence is currently insufficient to determine the role of this variant in disease. Therefore, it has been classified as a Variant of Uncertain Significance.

Literature cited by the submitters: PubMed 25860818.